The following is an entry in ClinVar:

NM_198428.3(BBS9):c.*444G>A

Gene: BBS9 (Bardet-Biedl syndrome 9; plus strand). Cytogenetic location: 7p14.3.
Variant type: single nucleotide variant.
Coding change: c.*444G>A on transcript NM_198428.3 (MANE Select); 444 bases downstream of the stop codon, G replaced by A.
Molecular consequence: 3 prime UTR variant. On other transcripts: non-coding transcript variant (3), intron variant (2).
Genome position (GRCh38, 1-based): chr7:33,605,670, G>A. VCF-style: chr7-33605670-G-A. GRCh37 (hg19) VCF-style: chr7-33645282-G-A.
Other names: c.*444G>A (NM_001033604.2, NM_001033605.2, NM_001348036.1 and 10 more transcripts); c.2522-29507G>A (NM_001362679.1); c.2632+695G>A (NM_001348041.4).
Identifiers: ClinVar variation 360079 (VCV000360079.5), dbSNP rs75625812, ClinGen allele CA10623880.
Genomic context (GRCh38, chr7:33,605,670, plus strand): 5'-TAAAGCATCTCATTGTCAAATAATATCTTGGATTTTATTTATAATTAGAGGGATTTATGA[G>A]TGATTGCTCTACATTATTTCTTCAAAGGAAAGGAAAGGAATTGAAGACTTTGCTACTCTC-3'

ClinVar aggregate classification (germline): Likely benign (1 of 4 stars; one submission).

Conditions:
Bardet-Biedl syndrome 9 (BBS9). Identifiers: Orphanet 110, MedGen C1859567, MONDO:0014437, OMIM 615986.

Allele frequency attached by ClinVar (database versions not stated): gnomAD 0.00030 and 0.00043; TOPMed 0.00054; gnomAD exomes 0.00073; 1000 Genomes Project 30x 0.00187; 1000 Genomes Project 0.00220.
gnomAD v4.1: 103 of 208,854 alleles (0.049%); highest among the groups gnomAD compares: East Asian, 1%; 1 homozygote.

Submission:

Illumina Laboratory Services, Illumina
Classification: Likely benign for Bardet-Biedl syndrome 9. Last evaluated: 2018-01-13. Review status: criteria provided, single submitter. Criteria: ICSL Variant Classification Criteria 13 December 2019. Collection method: clinical testing. Allele origin: germline.
Comment: This variant was observed in the ICSL laboratory as part of a predisposition screen in an ostensibly healthy population. It had not been previously curated by ICSL or reported in the Human Gene Mutation Database (HGMD: prior to June 1st, 2018), and was therefore a candidate for classification through an automated scoring system. Utilizing variant allele frequency, disease prevalence and penetrance estimates, and inheritance mode, an automated score was calculated to assess if this variant is too frequent to cause the disease. Based on the score and internal cut-off values, a variant classified as likely benign is not then subjected to further curation. The score for this variant resulted in a classification of likely benign for this disease.